The following is an entry in ClinVar:

NM_001083619.3(GRIA2):c.413G>A (p.Ser138Asn)

Gene: GRIA2 (glutamate ionotropic receptor AMPA type subunit 2; plus strand). Cytogenetic location: 4q32.1.
Variant type: single nucleotide variant.
Coding change: c.413G>A on transcript NM_001083619.3 (MANE Select); coding-DNA position 413, G replaced by A.
Protein change: p.Ser138Asn; replaces serine 138 with asparagine.
Molecular consequence: missense variant.
Genome position (GRCh38, 1-based): chr4:157,303,735, G>A. VCF-style: chr4-157303735-G-A. GRCh37 (hg19) VCF-style: chr4-158224887-G-A.
Other names: c.413G>A, p.Ser138Asn (NM_000826.6); c.272G>A, p.Ser91Asn (NM_001083620.3, NM_001379000.3, NM_001379001.3); c.413G>A (NM_001083619.1); short protein forms S138N, S91N.
Identifiers: ClinVar variation 2681304 (VCV002681304.2), dbSNP rs761500896.
Genomic context (GRCh38, chr4:157,303,735, plus strand): 5'-CAGATGGCACACATCCATTTGTCATTCAGATGAGACCCGACCTCAAAGGAGCTCTCCTTA[G>A]CTTGATTGAATACTATCAATGGGACAAGTTTGCATACCTCTATGACAGTGACAGAGGTAA-3'
Protein context (NP_001077088.2, residues 128-148): MRPDLKGALL[Ser138Asn]LIEYYQWDKF

ClinVar aggregate classification (germline): Uncertain significance. Review status: criteria provided, single submitter (1 of 4 stars). 2 submissions from 2 submitters: Uncertain significance (1). 1 of the submissions does not count toward it. Last evaluated 2023-06-15.

Conditions:
EBV-positive nodal T- and NK-cell lymphoma.

Allele frequency attached by ClinVar (database versions not stated): ExAC 0.00001; gnomAD 0.00001; TOPMed 0.00001.
gnomAD v4.1: 1 of 1,613,726 alleles (0.000062%); highest among the groups gnomAD compares: Non-Finnish European, 0.000085%; no homozygotes.

Submissions (2):

GeneDx
Classification: Uncertain significance. Last evaluated: 2023-06-15. Review status: criteria provided, single submitter. Criteria: GeneDx Variant Classification Process June 2021. Collection method: clinical testing. Allele origin: germline. Affected: yes.
Comment: In silico analysis supports that this missense variant does not alter protein structure/function; Has not been previously published as pathogenic or benign to our knowledge

Department of Clinical Pathology, School of Medicine, Fujita Health University
Classification: Likely benign for EBV-positive nodal T- and NK-cell lymphoma. Review status: no assertion criteria provided. Collection method: research. Allele origin: unknown. Affected: yes. Not counted in ClinVar's aggregate classification.